The following is an entry in ClinVar:

NM_000093.5(COL5A1):c.1935+133A>T

Gene: COL5A1 (collagen type V alpha 1 chain; plus strand). Cytogenetic location: 9q34.3.
Variant type: single nucleotide variant.
Coding change: c.1935+133A>T on transcript NM_000093.5 (MANE Select); 133 bases into the intron after coding-DNA position 1935, A replaced by T.
Molecular consequence: intron variant.
Genome position (GRCh38, 1-based): chr9:134,758,429, A>T. VCF-style: chr9-134758429-A-T. GRCh37 (hg19) VCF-style: chr9-137650275-A-T.
Other names: c.1935+133A>T (NM_001278074.1).
Identifiers: ClinVar variation 675396 (VCV000675396.2), dbSNP rs79294927, ClinGen allele CA201092473.

ClinVar aggregate classification (germline): Benign. Review status: criteria provided, multiple submitters, no conflicts (2 of 4 stars). 2 submissions from 2 submitters: Benign (2). Last evaluated 2018-06-19.

Allele frequency attached by ClinVar (database versions not stated): gnomAD exomes 0.00525; gnomAD 0.04931 and 0.05249; TOPMed 0.05562; 1000 Genomes Project 0.06270; 1000 Genomes Project 30x 0.06558.
gnomAD v4.1: 11,538 of 881,796 alleles (1.3%); highest among the groups gnomAD compares: African/African-American, 17%; 897 homozygotes.

Submissions (2):

GeneDx
Classification: Benign. Last evaluated: 2018-06-19. Review status: criteria provided, single submitter. Criteria: GeneDx Variant Classification (06012015). Collection method: clinical testing. Allele origin: germline. Affected: yes.
Comment: This variant is considered likely benign or benign based on one or more of the following criteria: it is a conservative change, it occurs at a poorly conserved position in the protein, it is predicted to be benign by multiple in silico algorithms, and/or has population frequency not consistent with disease.

Breakthrough Genomics
Classification: Benign. Review status: criteria provided, single submitter. Criteria: ACMG Guidelines, 2015. Collection method: not provided. Allele origin: germline. Inheritance: Autosomal dominant inheritance. Affected: yes.